The following is an entry in ClinVar:

ClinVar aggregate classification (germline): Uncertain significance (1 of 4 stars; one submission).

Allele frequency attached by ClinVar (database versions not stated): ExAC 0.00001.

Submission:

Labcorp Genetics (formerly Invitae), Labcorp
Classification: Uncertain significance. Last evaluated: 2025-05-22. Review status: criteria provided, single submitter. Criteria: Invitae Variant Classification Sherloc (09022015). Collection method: clinical testing. Allele origin: germline.
Comment: This sequence change replaces valine, which is neutral and non-polar, with methionine, which is neutral and non-polar, at codon 195 of the SIAE protein (p.Val195Met). This variant is present in population databases (rs747370996, gnomAD 0.007%). This variant has not been reported in the literature in individuals affected with SIAE-related conditions. ClinVar contains an entry for this variant (Variation ID: 2706165). An algorithm developed to predict the effect of missense changes on protein structure and function (PolyPhen-2) suggests that this variant is likely to be disruptive. In summary, the available evidence is currently insufficient to determine the role of this variant in disease. Therefore, it has been classified as a Variant of Uncertain Significance.

NM_170601.5(SIAE):c.583G>A (p.Val195Met)

Gene: SIAE (sialic acid acetylesterase; minus strand). Cytogenetic location: 11q24.2.
Variant type: single nucleotide variant.
Coding change: c.583G>A on transcript NM_170601.5 (MANE Select); coding-DNA position 583, G replaced by A.
Protein change: p.Val195Met; replaces valine 195 with methionine.
Molecular consequence: missense variant.
Genome position (GRCh38, 1-based): chr11:124,649,758, C>T on the plus strand (G>A on the coding strand, the complement: SIAE is on the minus strand). VCF-style: chr11-124649758-C-T. GRCh37 (hg19) VCF-style: chr11-124519654-C-T.
Other names: c.478G>A, p.Val160Met (NM_001199922.2); short protein forms V160M, V195M.
Identifiers: ClinVar variation 2706165 (VCV002706165.3), dbSNP rs747370996, ClinGen allele CA6341467.